The following is an entry in ClinVar:

ClinVar aggregate classification (germline): Benign (1 of 4 stars; one submission).

gnomAD v4.1: 2,091 of 1,614,142 alleles (0.13%); highest among the groups gnomAD compares: African/African-American, 2.5%; 22 homozygotes.

Submission:

Mayo Clinic Laboratories, Mayo Clinic
Classification: Benign. Last evaluated: 2024-10-25. Review status: criteria provided, single submitter. Criteria: ACMG Guidelines, 2015. Collection method: clinical testing. Allele origin: germline. Observed: 3 variant alleles.
Comment: BS1, BS2, BP4

Literature cited by the submitters: PubMed 17301694.

NM_000962.4(PTGS1):c.554A>C (p.Lys185Thr)

Gene: PTGS1 (prostaglandin-endoperoxide synthase 1; plus strand). Cytogenetic location: 9q33.2.
Variant type: single nucleotide variant.
Coding change: c.554A>C on transcript NM_000962.4 (MANE Select); coding-DNA position 554, A replaced by C.
Protein change: p.Lys185Thr; replaces lysine 185 with threonine.
Molecular consequence: missense variant.
Genome position (GRCh38, 1-based): chr9:122,381,428, A>C. VCF-style: chr9-122381428-A-C. GRCh37 (hg19) VCF-style: chr9-125143707-A-C.
Other names: p.Lys185Thr; c.410A>C, p.Lys137Thr (NM_001271164.2); c.227A>C, p.Lys76Thr (NM_001271165.2, NM_001271166.2, NM_001271367.2); c.479A>C, p.Lys160Thr (NM_001271368.2); c.554A>C, p.Lys185Thr (NM_080591.3); short protein forms K137T, K160T, K185T, K76T.
Identifiers: ClinVar variation 4683424 (VCV004683424.1).